The following is an entry in ClinVar:

ClinVar aggregate classification (germline): Uncertain significance (1 of 4 stars; one submission).

Conditions:
LAMA2-related muscular dystrophy (LAMA2-RD). Also called: Laminin alpha 2-related dystrophy. Identifiers: MedGen C5679788, MONDO:0100228.

Allele frequency attached by ClinVar (database versions not stated): gnomAD 0.00001; gnomAD exomes 0.00001 and 0.00003; TOPMed 0.00002; ExAC 0.00004.
gnomAD v4.1: 15 of 1,613,996 alleles (0.00093%); highest among the groups gnomAD compares: South Asian, 0.0066%; no homozygotes.

Submission:

Labcorp Genetics (formerly Invitae), Labcorp
Classification: Uncertain significance for LAMA2-related muscular dystrophy. Last evaluated: 2025-10-11. Review status: criteria provided, single submitter. Criteria: Invitae Variant Classification Sherloc (09022015). Collection method: clinical testing. Allele origin: germline.
Comment: This sequence change replaces proline, which is neutral and non-polar, with leucine, which is neutral and non-polar, at codon 81 of the LAMA2 protein (p.Pro81Leu). This variant is present in population databases (rs757039606, gnomAD 0.02%). This variant has not been reported in the literature in individuals affected with LAMA2-related conditions. ClinVar contains an entry for this variant (Variation ID: 1498867). Invitae Evidence Modeling of protein sequence and biophysical properties (such as structural, functional, and spatial information, amino acid conservation, physicochemical variation, residue mobility, and thermodynamic stability) indicates that this missense variant is not expected to disrupt LAMA2 protein function with a negative predictive value of 95%. In summary, the available evidence is currently insufficient to determine the role of this variant in disease. Therefore, it has been classified as a Variant of Uncertain Significance.

NM_000426.4(LAMA2):c.242C>T (p.Pro81Leu)

Gene: LAMA2 (laminin subunit alpha 2; plus strand). Cytogenetic location: 6q22.33.
Variant type: single nucleotide variant.
Coding change: c.242C>T on transcript NM_000426.4 (MANE Select); coding-DNA position 242, C replaced by T.
Protein change: p.Pro81Leu; replaces proline 81 with leucine.
Molecular consequence: missense variant.
Genome position (GRCh38, 1-based): chr6:129,050,047, C>T. VCF-style: chr6-129050047-C-T. GRCh37 (hg19) VCF-style: chr6-129371192-C-T.
Other names: c.242C>T, p.Pro81Leu (NM_001079823.2); short protein forms P81L.
Identifiers: ClinVar variation 1498867 (VCV001498867.6), dbSNP rs757039606, ClinGen allele CA3992253.
Genomic context (GRCh38, chr6:129,050,047, plus strand): 5'-AAGGACCTGAAATGTACTGCAAATTGGTAGAACATGTCCCTGGGCAGCCTGTGAGGAACC[C>T]GCAGTGTCGAATCTGCAATCAAAACAGCAGCAATCCAAACCGTATGTATTTTAGTGTGTA-3'
Protein context (NP_000417.3, residues 71-91): EHVPGQPVRN[Pro81Leu]QCRICNQNSS